The following is an entry in ClinVar:

NM_000494.4(COL17A1):c.2599C>T (p.Pro867Ser)

Gene: COL17A1 (collagen type XVII alpha 1 chain; minus strand). Cytogenetic location: 10q25.1.
Variant type: single nucleotide variant.
Coding change: c.2599C>T on transcript NM_000494.4 (MANE Select); coding-DNA position 2599, C replaced by T.
Protein change: p.Pro867Ser; replaces proline 867 with serine.
Molecular consequence: missense variant.
Genome position (GRCh38, 1-based): chr10:104,041,491, G>A on the plus strand (C>T on the coding strand, the complement: COL17A1 is on the minus strand). VCF-style: chr10-104041491-G-A. GRCh37 (hg19) VCF-style: chr10-105801249-G-A.
Other names: short protein forms P867S.
Identifiers: ClinVar variation 4692512 (VCV004692512.1).

ClinVar aggregate classification (germline): Uncertain significance (1 of 4 stars; one submission).

Submission:

Labcorp Genetics (formerly Invitae), Labcorp
Classification: Uncertain significance. Last evaluated: 2025-11-03. Review status: criteria provided, single submitter. Criteria: Invitae Variant Classification Sherloc (09022015). Collection method: clinical testing. Allele origin: germline.
Comment: This sequence change replaces proline, which is neutral and non-polar, with serine, which is neutral and polar, at codon 867 of the COL17A1 protein (p.Pro867Ser). This variant is present in population databases (rs762418128, gnomAD 0.002%). This variant has not been reported in the literature in individuals affected with COL17A1-related conditions. Invitae Evidence Modeling of protein sequence and biophysical properties (such as structural, functional, and spatial information, amino acid conservation, physicochemical variation, residue mobility, and thermodynamic stability) indicates that this missense variant is not expected to disrupt COL17A1 protein function with a negative predictive value of 80%. In summary, the available evidence is currently insufficient to determine the role of this variant in disease. Therefore, it has been classified as a Variant of Uncertain Significance.